The following is an entry in ClinVar:

NM_000492.4(CFTR):c.3158C>G (p.Thr1053Ser)

Genes: CFTR (CF transmembrane conductance regulator; plus strand), CFTR-AS2 (CFTR antisense RNA 2; minus strand), LOC111674472 (DNase I hypersensitive sites in introns 16 and 17a of CFTR; plus strand). Cytogenetic location: 7q31.2.
Variant type: single nucleotide variant.
Coding change: c.3158C>G on transcript NM_000492.4 (MANE Select); coding-DNA position 3158, C replaced by G.
Protein change: p.Thr1053Ser; replaces threonine 1053 with serine.
Molecular consequence: missense variant.
Genome position (GRCh38, 1-based): chr7:117,611,599, C>G. VCF-style: chr7-117611599-C-G. GRCh37 (hg19) VCF-style: chr7-117251653-C-G.
Other names: short protein forms T1053S.
Identifiers: ClinVar variation 3356149 (VCV003356149.1).

ClinVar aggregate classification (germline): Uncertain significance (0 of 4 stars; one submission).

Conditions:
CFTR-related disorder (CFTR-RD). Also called: CFTR-related disorders; CFTR-related condition. Identifiers: MedGen C5924204, MONDO:7770004.

gnomAD v4.1: 7 of 1,610,028 alleles (0.00043%); highest among the groups gnomAD compares: South Asian, 0.0077%; no homozygotes.

Submission:

PreventionGenetics, part of Exact Sciences
Classification: Uncertain significance for CFTR-related condition. Last evaluated: 2024-07-31. Review status: no assertion criteria provided. Collection method: clinical testing. Allele origin: germline.
Comment: The CFTR c.3158C>G variant is predicted to result in the amino acid substitution p.Thr1053Ser. To our knowledge, this variant has not been reported in the literature or in a large population database, indicating this variant is rare. Of note, another variant impacting the same amino acid, c.2158C>T (p.Thr1053Ile), was shown to have function >75% WT-CFTR (Raraigh et al. 2018. PubMed ID: 29805046) and is considered non-Cystic Fibrosis causing per CFTR2. At this time, the clinical significance of the c.3158C>G (p.Thr1053Ser) variant is uncertain due to the absence of conclusive functional and genetic evidence.